The following is an entry in ClinVar:

ClinVar aggregate classification (germline): Uncertain significance (1 of 4 stars; one submission).

Allele frequency attached by ClinVar (database versions not stated): TOPMed 0.00006; ESP Exome Variant Server 0.00008; gnomAD 0.00009; 1000 Genomes Project 30x 0.00047; 1000 Genomes Project 0.00060.
gnomAD v4.1: 88 of 1,612,494 alleles (0.0055%); highest among the groups gnomAD compares: Admixed American, 0.025%; no homozygotes.

Submission:

Women's Health and Genetics/Laboratory Corporation of America, LabCorp
Classification: Uncertain significance. Last evaluated: 2023-10-05. Review status: criteria provided, single submitter. Criteria: LabCorp Variant Classification Summary - May 2015. Collection method: clinical testing. Allele origin: germline.
Comment: Variant summary: SLC9A9 c.1000+4A>T alters a nucleotide located close to a canonical splice site and therefore could affect mRNA splicing, leading to a significantly altered protein sequence. Several computational tools predict a significant impact on normal splicing: Four predict the variant weakens a 5' donor site. However, these predictions have yet to be confirmed by functional studies. The variant allele was found at a frequency of 5.2e-05 in 250386 control chromosomes. To our knowledge, no occurrence of c.1000+4A>T in individuals affected with Autism, Susceptibility To, 16 and no experimental evidence demonstrating its impact on protein function have been reported. No submitters have cited clinical-significance assessments for this variant to ClinVar after 2014. Based on the evidence outlined above, the variant was classified as uncertain significance.

NM_173653.4(SLC9A9):c.1000+4A>T

Gene: SLC9A9 (solute carrier family 9 member A9; minus strand). Cytogenetic location: 3q24.
Variant type: single nucleotide variant.
Coding change: c.1000+4A>T on transcript NM_173653.4 (MANE Select); 4 bases into the intron after coding-DNA position 1000, A replaced by T.
Molecular consequence: intron variant.
Genome position (GRCh38, 1-based): chr3:143,574,084, T>A on the plus strand (A>T on the coding strand, the complement: SLC9A9 is on the minus strand). VCF-style: chr3-143574084-T-A. GRCh37 (hg19) VCF-style: chr3-143292926-T-A.
Identifiers: ClinVar variation 2637613 (VCV002637613.1), dbSNP rs200214958, ClinGen allele CA2654003.